The following is an entry in ClinVar:

ClinVar aggregate classification (germline): Conflicting classifications of pathogenicity. Review status: criteria provided, conflicting classifications (1 of 4 stars). 8 submissions from 8 submitters: Uncertain significance (1); Benign (1); Likely benign (4). 2 of the submissions do not count toward it. Last evaluated 2026-07-01.

Conditions:
PEX6-related disorder. Also called: PEX6-related condition; PEX6-related disorders.
Zellweger spectrum disorders (ZS). Also called: Zellweger syndrome; Zellweger Spectrum Disorder (ZSD); Zellweger Spectrum Disorder; Zellweger Spectrum. Identifiers: Orphanet 912, MedGen C0043459, MONDO:0019609.
Peroxisome biogenesis disorder 4A (Zellweger) (PBD4A). Also called: Zellweger syndrome spectrum (PEX6-related). Identifiers: Orphanet 912, MedGen C3553936, MONDO:0013930, OMIM 614862. Disease mechanism: loss of function.
Peroxisome biogenesis disorder. Identifiers: Orphanet 79189, MedGen C1832200, MONDO:0019234. Disease mechanism: loss of function.

Allele frequency attached by ClinVar (database versions not stated): 1000 Genomes Project 0.00060; 1000 Genomes Project 30x 0.00062; gnomAD 0.00067; TOPMed 0.00121; ESP Exome Variant Server 0.00123; ExAC 0.00135.
gnomAD v4.1: 1,955 of 1,614,152 alleles (0.12%); highest among the groups gnomAD compares: Admixed American, 0.28%; 5 homozygotes.

Submissions (8):

CeGaT Center for Human Genetics Tuebingen
Classification: Likely benign. Last evaluated: 2026-07-01. Review status: criteria provided, single submitter. Criteria: CeGaT Center For Human Genetics Tuebingen Variant Classification Criteria Version 2. Collection method: clinical testing. Allele origin: germline. Affected: yes. Observed: 6 variant alleles.
Comment: PEX6: BP4

Labcorp Genetics (formerly Invitae), Labcorp
Classification: Benign for Peroxisome biogenesis disorder. Last evaluated: 2026-02-03. Review status: criteria provided, single submitter. Criteria: Invitae Variant Classification Sherloc (09022015). Collection method: clinical testing. Allele origin: germline.

Blueprint Genetics
Classification: Likely benign. Last evaluated: 2024-10-14. Review status: criteria provided, single submitter. Criteria: ACMG Guidelines, 2015. Collection method: clinical testing. Allele origin: germline.

GeneDx
Classification: Likely benign. Last evaluated: 2020-03-06. Review status: criteria provided, single submitter. Criteria: GeneDx Variant Classification Process June 2021. Collection method: clinical testing. Allele origin: germline. Affected: yes.
Comment: See Variant Classification Assertion Criteria.

Illumina Laboratory Services, Illumina
Classification: Uncertain significance for Peroxisome biogenesis disorder 4A (Zellweger). Last evaluated: 2018-01-13. Review status: criteria provided, single submitter. Criteria: ICSL Variant Classification Criteria 13 December 2019. Collection method: clinical testing. Allele origin: germline.

Eurofins Ntd Llc (ga)
Classification: Likely benign. Last evaluated: 2016-01-13. Review status: criteria provided, single submitter. Criteria: EGL Classification Definitions 2015. Collection method: clinical testing. Allele origin: germline. Observed: 1 variant allele, 1 heterozygote.

Natera, Inc.
Classification: Benign for Zellweger syndrome. Last evaluated: 2020-09-16. Review status: no assertion criteria provided. Collection method: clinical testing. Allele origin: germline. Not counted in ClinVar's aggregate classification.

PreventionGenetics, part of Exact Sciences
Classification: Benign for PEX6-related condition. Last evaluated: 2020-03-18. Review status: no assertion criteria provided. Collection method: clinical testing. Allele origin: germline. Not counted in ClinVar's aggregate classification.
Comment: This variant is classified as benign based on ACMG/AMP sequence variant interpretation guidelines (Richards et al. 2015 PMID: 25741868, with internal and published modifications).

NM_000287.4(PEX6):c.853C>G (p.Pro285Ala)

Gene: PEX6 (peroxisomal biogenesis factor 6; minus strand). Cytogenetic location: 6p21.1.
Variant type: single nucleotide variant.
Coding change: c.853C>G on transcript NM_000287.4 (MANE Select); coding-DNA position 853, C replaced by G.
Protein change: p.Pro285Ala; replaces proline 285 with alanine.
Molecular consequence: missense variant. On other transcripts: non-coding transcript variant (1), intron variant (1).
Genome position (GRCh38, 1-based): chr6:42,978,298, G>C on the plus strand (C>G on the coding strand, the complement: PEX6 is on the minus strand). VCF-style: chr6-42978298-G-C. GRCh37 (hg19) VCF-style: chr6-42946036-G-C.
Other names: c.618+235C>G (NM_001316313.2); short protein forms P285A.
Identifiers: ClinVar variation 285539 (VCV000285539.47), dbSNP rs61753220, ClinGen allele CA3811549.